The following is an entry in ClinVar:

NM_012469.4(PRPF6):c.2252G>A (p.Arg751Gln)

Gene: PRPF6 (pre-mRNA processing factor 6; plus strand). Cytogenetic location: 20q13.33.
Variant type: single nucleotide variant.
Coding change: c.2252G>A on transcript NM_012469.4 (MANE Select); coding-DNA position 2252, G replaced by A.
Protein change: p.Arg751Gln; replaces arginine 751 with glutamine.
Molecular consequence: missense variant.
Genome position (GRCh38, 1-based): chr20:64,027,649, G>A. VCF-style: chr20-64027649-G-A. GRCh37 (hg19) VCF-style: chr20-62659002-G-A.
Other names: short protein forms R751Q.
Identifiers: ClinVar variation 2038084 (VCV002038084.5), dbSNP rs745862108, ClinGen allele CA9972406.

ClinVar aggregate classification (germline): Conflicting classifications of pathogenicity. Review status: criteria provided, conflicting classifications (1 of 4 stars). 2 submissions from 2 submitters: Uncertain significance (1); Likely benign (1). Last evaluated 2024-09-28.

Conditions:
Retinal dystrophy. Also called: Inherited retinal dystrophy. Identifiers: Orphanet 71862, MedGen C0854723, MeSH D058499, MONDO:0019118, HP:0000556.

Allele frequency attached by ClinVar (database versions not stated): TOPMed below 0.00001; ExAC 0.00001; gnomAD 0.00001.
gnomAD v4.1: 16 of 1,613,972 alleles (0.00099%); highest among the groups gnomAD compares: East Asian, 0.011%; no homozygotes.

Submissions (2):

Labcorp Genetics (formerly Invitae), Labcorp
Classification: Uncertain significance. Last evaluated: 2024-09-28. Review status: criteria provided, single submitter. Criteria: Invitae Variant Classification Sherloc (09022015). Collection method: clinical testing. Allele origin: germline.
Comment: This sequence change replaces arginine, which is basic and polar, with glutamine, which is neutral and polar, at codon 751 of the PRPF6 protein (p.Arg751Gln). This variant is present in population databases (rs745862108, gnomAD 0.003%). This variant has not been reported in the literature in individuals affected with PRPF6-related conditions. ClinVar contains an entry for this variant (Variation ID: 2038084). Invitae Evidence Modeling of protein sequence and biophysical properties (such as structural, functional, and spatial information, amino acid conservation, physicochemical variation, residue mobility, and thermodynamic stability) indicates that this missense variant is not expected to disrupt PRPF6 protein function with a negative predictive value of 80%. Algorithms developed to predict the effect of sequence changes on RNA splicing suggest that this variant may create or strengthen a splice site. In summary, the available evidence is currently insufficient to determine the role of this variant in disease. Therefore, it has been classified as a Variant of Uncertain Significance.

Dept Of Ophthalmology, Nagoya University
Classification: Likely benign for Retinal dystrophy. Last evaluated: 2023-10-01. Review status: criteria provided, single submitter. Criteria: Submitter's publication. Collection method: research. Allele origin: germline. Affected: yes.